The following is an entry in ClinVar:

ClinVar aggregate classification (germline): Likely pathogenic. Review status: criteria provided, single submitter (1 of 4 stars). 2 submissions from 1 submitter: Likely pathogenic (2). Last evaluated 2021-01-06.

Conditions:
Macrocephaly. Also called: Macrocephalus; large head. Identifiers: MedGen C2243051, HP:0000256.
Microcephaly 18, primary, autosomal dominant (MCPH18). Identifiers: MedGen C4479608, MONDO:0054593, OMIM 617520.

Submissions (2):

Equipe Genetique des Anomalies du Developpement, Université de Bourgogne
Classification: Likely pathogenic for Microcephaly 18, primary, autosomal dominant. Last evaluated: 2021-01-06. Review status: criteria provided, single submitter. Criteria: ACMG Guidelines, 2015. Collection method: research. Allele origin: paternal. Affected: yes.

Equipe Genetique des Anomalies du Developpement, Université de Bourgogne
Classification: Likely pathogenic for Macrocephaly. Review status: criteria provided, single submitter. Criteria: ACMG Guidelines, 2015. Collection method: clinical testing. Allele origin: paternal. Affected: yes.

NM_014991.6(WDFY3):c.5114_5115del (p.Lys1705fs)

Gene: WDFY3 (WD repeat and FYVE domain containing 3; minus strand). Cytogenetic location: 4q21.23.
Variant type: Deletion.
Coding change: c.5114_5115del on transcript NM_014991.6 (MANE Select); coding-DNA positions 5114 to 5115, 2 bases deleted (AA; older notation c.5114_5115delAA).
Protein change: p.Lys1705fs; shifts the reading frame from lysine 1705.
Molecular consequence: frameshift variant.
Genome position (GRCh38, 1-based): chr4:84,765,883-84,765,884, TT deleted on the plus strand (AA on the coding strand, the reverse complement: WDFY3 is on the minus strand); deleting any 2 consecutive bases within chr4:84,765,883-84,765,885 gives the same sequence; the c. name uses the placement nearest the transcript's 3' end. VCF-style (leftmost placement, unchanged base first): chr4-84765882-CTT-C. GRCh37 (hg19) VCF-style: chr4-85687035-CTT-C.
Other names: short protein forms K1705fs.
Identifiers: ClinVar variation 1172659 (VCV001172659.2), dbSNP rs2149390162, ClinGen allele CA2499217344.